The following is an entry in ClinVar:

ClinVar aggregate classification (germline): Uncertain significance. Review status: criteria provided, multiple submitters, no conflicts (2 of 4 stars). 2 submissions from 2 submitters: Uncertain significance (2). Last evaluated 2020-02-10.

Conditions:
Hereditary cancer-predisposing syndrome. Also called: Neoplastic Syndromes, Hereditary; Hereditary Cancer Syndrome; Hereditary neoplastic syndrome; Tumor predisposition. Identifiers: Orphanet 140162, MedGen C0027672, MeSH D009386, MONDO:0015356.
DICER1-related tumor predisposition. Also called: DICER1-related pleuropulmonary blastoma cancer predisposition syndrome; DICER1 syndrome. Identifiers: Orphanet 284343, MedGen C3839822, MONDO:0100216.

Submissions (2):

Labcorp Genetics (formerly Invitae), Labcorp
Classification: Uncertain significance for DICER1-related tumor predisposition. Last evaluated: 2020-02-10. Review status: criteria provided, single submitter. Criteria: Invitae Variant Classification Sherloc (09022015). Collection method: clinical testing. Allele origin: germline.
Comment: This sequence change replaces lysine with arginine at codon 1541 of the DICER1 protein (p.Lys1541Arg). The lysine residue is highly conserved and there is a small physicochemical difference between lysine and arginine. This variant is not present in population databases (ExAC no frequency). This variant has not been reported in the literature in individuals with DICER1-related conditions. Algorithms developed to predict the effect of missense changes on protein structure and function are either unavailable or do not agree on the potential impact of this missense change (SIFT: "Tolerated"; PolyPhen-2: "Possibly Damaging"; Align-GVGD: "Class C0"). In summary, the available evidence is currently insufficient to determine the role of this variant in disease. Therefore, it has been classified as a Variant of Uncertain Significance.

Ambry Genetics
Classification: Uncertain significance for Hereditary cancer-predisposing syndrome. Last evaluated: 2019-02-01. Review status: criteria provided, single submitter. Criteria: Ambry Variant Classification Scheme 2023. Collection method: clinical testing. Allele origin: germline.
Comment: The p.K1541R variant (also known as c.4622A>G), located in coding exon 22 of the DICER1 gene, results from an A to G substitution at nucleotide position 4622. The lysine at codon 1541 is replaced by arginine, an amino acid with highly similar properties. This amino acid position is highly conserved in available vertebrate species. In addition, this alteration is predicted to be tolerated by in silico analysis. Since supporting evidence is limited at this time, the clinical significance of this alteration remains unclear.

NM_177438.3(DICER1):c.4622A>G (p.Lys1541Arg)

Gene: DICER1 (dicer 1, ribonuclease III; minus strand). Cytogenetic location: 14q32.13.
Variant type: single nucleotide variant.
Coding change: c.4622A>G on transcript NM_177438.3 (MANE Select); coding-DNA position 4622, A replaced by G.
Protein change: p.Lys1541Arg; replaces lysine 1541 with arginine.
Molecular consequence: missense variant.
Genome position (GRCh38, 1-based): chr14:95,096,298, T>C on the plus strand (A>G on the coding strand, the complement: DICER1 is on the minus strand). VCF-style: chr14-95096298-T-C. GRCh37 (hg19) VCF-style: chr14-95562635-T-C.
Other names: c.4622A>G, p.Lys1541Arg (NM_001195573.1, NM_001271282.3, NM_001291628.2 and 1 more transcripts); short protein forms K1541R.
Identifiers: ClinVar variation 825051 (VCV000825051.14), dbSNP rs1595340496, ClinGen allele CA390867674.
Genomic context (GRCh38, chr14:95,096,298, plus strand): 5'-TCCGCTATGCTTTTGTCAGCAATACACTGCTCAGTGTGCAAGTCGTAAGAAATGGACTGC[T>C]TTCCCGTGTCAACACCACAGTTTTCTTCTGATGGATTCCAGAACCCCACCACAAAGTCAT-3'
Protein context (NP_803187.1, residues 1531-1551): SEENCGVDTG[Lys1541Arg]QSISYDLHTE